The following is an entry in ClinVar:

NM_021098.3(CACNA1H):c.1980C>G (p.Ile660Met)

Gene: CACNA1H (calcium voltage-gated channel subunit alpha1 H; plus strand). Cytogenetic location: 16p13.3.
Variant type: single nucleotide variant.
Coding change: c.1980C>G on transcript NM_021098.3 (MANE Select); coding-DNA position 1980, C replaced by G.
Protein change: p.Ile660Met; replaces isoleucine 660 with methionine.
Molecular consequence: missense variant.
Genome position (GRCh38, 1-based): chr16:1,202,430, C>G. VCF-style: chr16-1202430-C-G. GRCh37 (hg19) VCF-style: chr16-1252430-C-G.
Other names: c.1980C>G, p.Ile660Met (NM_001005407.2); short protein forms I660M.
Identifiers: ClinVar variation 2939689 (VCV002939689.4), dbSNP rs769960413, ClinGen allele CA394164048.

ClinVar aggregate classification (germline): Uncertain significance. Review status: criteria provided, multiple submitters, no conflicts (2 of 4 stars). 2 submissions from 2 submitters: Uncertain significance (2). Last evaluated 2023-02-24.

Conditions:
Hyperaldosteronism, familial, type IV (HALD4). Also called: FH IV; ALDOSTERONISM, PRIMARY, AND HYPERTENSION. Identifiers: Orphanet 642671, MedGen C4310756, MONDO:0014875, OMIM 617027.
Idiopathic generalized epilepsy. Also called: EIG; Generalised epilepsy. Identifiers: MedGen C0270850, MONDO:0005579, OMIM 600669.

Submissions (2):

Labcorp Genetics (formerly Invitae), Labcorp
Classification: Uncertain significance for Idiopathic generalized epilepsy; Hyperaldosteronism, familial, type IV. Last evaluated: 2023-02-24. Review status: criteria provided, single submitter. Criteria: Invitae Variant Classification Sherloc (09022015). Collection method: clinical testing. Allele origin: germline.
Comment: This variant has not been reported in the literature in individuals affected with CACNA1H-related conditions. This variant is not present in population databases (gnomAD no frequency). This sequence change replaces isoleucine, which is neutral and non-polar, with methionine, which is neutral and non-polar, at codon 660 of the CACNA1H protein (p.Ile660Met). In summary, the available evidence is currently insufficient to determine the role of this variant in disease. Therefore, it has been classified as a Variant of Uncertain Significance. Advanced modeling of protein sequence and biophysical properties (such as structural, functional, and spatial information, amino acid conservation, physicochemical variation, residue mobility, and thermodynamic stability) performed at Invitae indicates that this missense variant is not expected to disrupt CACNA1H protein function.

Department of Pathology and Laboratory Medicine, Sinai Health System
Classification: Uncertain significance for hyperaldosteronism, familial, type IV. Last evaluated: 2022-02-28. Review status: criteria provided, single submitter. Criteria: ACMG Guidelines, 2015. Collection method: research. Allele origin: germline.